The following is an entry in ClinVar:

NM_025114.4(CEP290):c.1936C>T (p.Gln646Ter)

Gene: CEP290 (centrosomal protein 290; minus strand). Cytogenetic location: 12q21.32.
Variant type: single nucleotide variant.
Coding change: c.1936C>T on transcript NM_025114.4 (MANE Select); coding-DNA position 1936, C replaced by T.
Protein change: p.Gln646Ter; replaces glutamine 646 with a stop codon.
Molecular consequence: nonsense.
Genome position (GRCh38, 1-based): chr12:88,114,536, G>A on the plus strand (C>T on the coding strand, the complement: CEP290 is on the minus strand). VCF-style: chr12-88114536-G-A. GRCh37 (hg19) VCF-style: chr12-88508313-G-A.
Other names: short protein forms Q646*.
Identifiers: ClinVar variation 279751 (VCV000279751.27), dbSNP rs780225183, ClinGen allele CA6712427.

ClinVar aggregate classification (germline): Pathogenic. Review status: criteria provided, multiple submitters, no conflicts (2 of 4 stars). 10 submissions from 10 submitters: Pathogenic (10). Last evaluated 2026-09-22.

Conditions:
CEP290-related disorder. Also called: CEP290-related condition; CEP290-related disorders. Identifiers: MedGen CN239314.
Joubert syndrome. Also called: Familial aplasia of the vermis; JOUBERT-BOLTSHAUSER SYNDROME. Identifiers: Orphanet 475, MedGen C5979921, MONDO:0018772.
Meckel-Gruber syndrome. Also called: Dysencephalia splachnocystica; DYSENCEPHALIA SPLANCHNOCYSTICA; GRUBER SYNDROME. Identifiers: Orphanet 564, MedGen C0265215, MONDO:0018921.
Nephronophthisis. Also called: Juvenile Nephronophthisis. Identifiers: Orphanet 655, MedGen C0687120, MONDO:0019005, HP:0000090.
Meckel syndrome, type 4 (MKS4). Also called: MECKEL-GRUBER SYNDROME, TYPE 4. Identifiers: Orphanet 564, MedGen C1970161, MONDO:0012626, OMIM 611134.
Leber congenital amaurosis 10 (LCA10). Identifiers: Orphanet 65, MedGen C1857821, MONDO:0012723, OMIM 611755.
Bardet-Biedl syndrome 14 (BBS14). Identifiers: Orphanet 110, MedGen C2673874, MONDO:0014442, OMIM 615991.
Joubert syndrome 5 (JBTS5). Identifiers: Orphanet 2318, MedGen C1857780, MONDO:0012432, OMIM 610188.
Senior-Loken syndrome 6 (SLSN6). Identifiers: Orphanet 3156, MedGen C1857779, MONDO:0012433, OMIM 610189.
Leber congenital amaurosis (LCA). Also called: Leber's amaurosis. Identifiers: Orphanet 65, MedGen C0339527, MeSH D057130, MONDO:0018998.
Retinal disorder. Also called: Retinopathies; Retinal Diseases; Retinal disorders; Retinopathy. Identifiers: MedGen C0035309, MONDO:0005283, HP:0000488.

Allele frequency attached by ClinVar (database versions not stated): gnomAD exomes 0.00001; TOPMed 0.00001; ExAC 0.00004; gnomAD 0.00001.
gnomAD v4.1: 12 of 1,536,580 alleles (0.00078%); highest among the groups gnomAD compares: Non-Finnish European, 0.0011%; no homozygotes.

Submissions (10):

PreventionGenetics, part of Exact Sciences
Classification: Pathogenic for CEP290-related condition. Last evaluated: 2026-09-22. Review status: criteria provided, single submitter. Criteria: ACMG Guidelines, 2015. Collection method: clinical testing. Allele origin: germline.
Comment: The CEP290 c.1936C>T variant is predicted to result in premature protein termination (p.Gln646*). This variant has been reported to be causative for autosomal recessive CEP290-associated disorders in multiple individuals (see for example, Perrault et al. 2007. PubMed ID: 17345604; Supplementary Table 2, Schueler et al. 2016. PubMed ID: 26673778; Feldhaus et al. 2020. PubMed ID: 31734136; Vora et al. 2020. PubMed ID: 31974414). This variant is reported in 0.0027% of alleles in individuals of European (non-Finnish) descent in gnomAD. Loss of function variants in CEP290 are known to be pathogenic (den Hollander et al. 2006. PubMed ID: 16909394; Perrault et al. 2007. PubMed ID: 17345604; Coppieters et al. 2010. PubMed ID: 20690115). This variant has consistently been classified as pathogenic in ClinVar. This variant is interpreted as pathogenic.

Labcorp Genetics (formerly Invitae), Labcorp
Classification: Pathogenic for Joubert syndrome; Meckel-Gruber syndrome; Nephronophthisis. Last evaluated: 2026-01-04. Review status: criteria provided, single submitter. Criteria: Invitae Variant Classification Sherloc (09022015). Collection method: clinical testing. Allele origin: germline.
Comment: This sequence change creates a premature translational stop signal (p.Gln646*) in the CEP290 gene. It is expected to result in an absent or disrupted protein product. Loss-of-function variants in CEP290 are known to be pathogenic (PMID: 16909394, 17345604, 20690115). The frequency data for this variant in the population databases is considered unreliable, as metrics indicate poor data quality at this position in the gnomAD database. This premature translational stop signal has been observed in individual(s) with Leber congenital amaurosis or nephronophthisis (PMID: 17345604, 26673778). ClinVar contains an entry for this variant (Variation ID: 279751). Algorithms developed to predict the effect of sequence changes on RNA splicing suggest that this variant may disrupt the consensus splice site. For these reasons, this variant has been classified as Pathogenic.

Natera, Inc.
Classification: Pathogenic for Leber congenital amaurosis. Last evaluated: 2025-08-17. Review status: criteria provided, single submitter. Criteria: Natera Variant Classification Schema (03/2026). Collection method: clinical testing. Allele origin: germline.
Comment: The c.1936C>T variant in CEP290 is a nonsense variant predicted to introduce a stop codon at amino acid 646. This variant is expected to result in nonsense mediated decay, truncation, or a dysfunctional protein product. This variant is rare in the general population with a frequency below the threshold expected for the associated phenotype(s). This variant has been observed in one or more individuals affected with the associated recessive disease, as either homozygous or compound heterozygous with a second variant (PMID: 31974414). Given the available evidence, this variant is classified as Pathogenic.

Baylor Genetics
Classification: Pathogenic for Bardet-Biedl syndrome 14. Last evaluated: 2024-03-06. Review status: criteria provided, single submitter. Criteria: ACMG Guidelines, 2015. Collection method: clinical testing. Allele origin: unknown.

Blueprint Genetics
Classification: Pathogenic for CEP290-related disorders. Last evaluated: 2023-11-29. Review status: criteria provided, single submitter. Criteria: ACMG Guidelines, 2015. Collection method: clinical testing. Allele origin: germline. Affected: yes. Observed: 5 variant alleles.

AURAGEN, Plan France Médecine Génomique
Classification: Pathogenic for Retinal disorder. Last evaluated: 2021-12-03. Review status: criteria provided, single submitter. Criteria: PFMG2025 (Lancet Reg Health Eur. 2025). Collection method: clinical testing. Allele origin: germline. Affected: yes.

Fulgent Genetics
Classification: Pathogenic for Joubert syndrome 5; Senior-Loken syndrome 6; Meckel syndrome, type 4; Leber congenital amaurosis 10; Bardet-Biedl syndrome 14. Last evaluated: 2021-11-13. Review status: criteria provided, single submitter. Criteria: ACMG Guidelines, 2015. Collection method: clinical testing. Allele origin: unknown.

GeneDx
Classification: Pathogenic. Last evaluated: 2020-05-26. Review status: criteria provided, single submitter. Criteria: GeneDx Variant Classification Process June 2021. Collection method: clinical testing. Allele origin: germline. Affected: yes.
Comment: Nonsense variant predicted to result in protein truncation or nonsense mediated decay in a gene for which loss-of-function is a known mechanism of disease; Not observed at a significant frequency in large population cohorts (Lek et al., 2016); This variant is associated with the following publications: (PMID: 31974414, 25525159, 17345604, 31734136)

Centre for Mendelian Genomics, University Medical Centre Ljubljana
Classification: Pathogenic for Joubert syndrome 5. Last evaluated: 2019-02-27. Review status: criteria provided, single submitter. Criteria: ACMG Guidelines, 2015. Collection method: clinical testing. Allele origin: unknown. Affected: yes.
Comment: This variant was classified as: Pathogenic. The following ACMG criteria were applied in classifying this variant: PVS1,PM1,PM2,PP5.

Eurofins Ntd Llc (ga)
Classification: Pathogenic. Last evaluated: 2017-05-02. Review status: criteria provided, single submitter. Criteria: EGL Classification Definitions 2015. Collection method: clinical testing. Allele origin: germline. Observed: 1 variant allele, 1 heterozygote.

Literature cited by the submitters: PubMed 16909394 (cited by Labcorp Genetics (formerly Invitae), Labcorp); PubMed 17345604 (cited by Labcorp Genetics (formerly Invitae), Labcorp); PubMed 20690115 (cited by Labcorp Genetics (formerly Invitae), Labcorp); PubMed 26673778 (cited by Labcorp Genetics (formerly Invitae), Labcorp); PubMed 31974414 (cited by Natera, Inc.).